The following is an entry in ClinVar:

ClinVar aggregate classification (germline): Conflicting classifications of pathogenicity. Review status: criteria provided, conflicting classifications (1 of 4 stars). 2 submissions from 2 submitters: Uncertain significance (1); Likely benign (1). Last evaluated 2025-11-06.

Conditions:
Inborn genetic diseases. Identifiers: MedGen C0950123, MeSH D030342.
Hereditary spastic paraplegia 30. Identifiers: Orphanet 101010, MedGen C5235139, MONDO:0012476.
Neuropathy, hereditary sensory, type 2C. Also called: Hereditary sensory and autonomic neuropathy type IIC; KIF1A-Related HSAN2 (HSAN2C). Identifiers: Orphanet 970, MedGen C3280168, MONDO:0013634, OMIM 614213.
Intellectual disability, autosomal dominant 9 (NESCAVS). Also called: NESCAV SYNDROME; KIF1A-Related Neurodevelopmental Disorder. Identifiers: Orphanet 662367, MedGen C5393830, MONDO:0013656, OMIM 614255.

Allele frequency attached by ClinVar (database versions not stated): gnomAD exomes below 0.00001; gnomAD 0.00001; TOPMed 0.00002; ExAC 0.00004.

Submissions (2):

Labcorp Genetics (formerly Invitae), Labcorp
Classification: Likely benign for Hereditary spastic paraplegia 30; Neuropathy, hereditary sensory, type 2C; Intellectual disability, autosomal dominant 9. Last evaluated: 2025-11-06. Review status: criteria provided, single submitter. Criteria: Invitae Variant Classification Sherloc (09022015). Collection method: clinical testing. Allele origin: germline.

Ambry Genetics
Classification: Uncertain significance for Inborn genetic diseases. Last evaluated: 2019-10-16. Review status: criteria provided, single submitter. Criteria: Ambry Variant Classification Scheme 2023. Collection method: clinical testing. Allele origin: germline.
Comment: The p.A609V variant (also known as c.1826C>T), located in coding exon 20 of the KIF1A gene, results from a C to T substitution at nucleotide position 1826. The alanine at codon 609 is replaced by valine, an amino acid with similar properties. This amino acid position is highly conserved in available vertebrate species. In addition, the in silico prediction for this alteration is inconclusive. Since supporting evidence is limited at this time, the clinical significance of this alteration remains unclear.

NM_001244008.2(KIF1A):c.1826C>T (p.Ala609Val)

Gene: KIF1A (kinesin family member 1A; minus strand). Cytogenetic location: 2q37.3.
Variant type: single nucleotide variant.
Coding change: c.1826C>T on transcript NM_001244008.2 (MANE Select); coding-DNA position 1826, C replaced by T.
Protein change: p.Ala609Val; replaces alanine 609 with valine.
Molecular consequence: missense variant.
Genome position (GRCh38, 1-based): chr2:240,763,289, G>A on the plus strand (C>T on the coding strand, the complement: KIF1A is on the minus strand). VCF-style: chr2-240763289-G-A. GRCh37 (hg19) VCF-style: chr2-241702706-G-A.
Other names: c.1826C>T, p.Ala609Val (NM_001320705.2, NM_001330289.2, NM_001379638.1); c.1901C>T, p.Ala634Val (NM_001330290.2, NM_001379631.1, NM_001379634.1 and 2 more transcripts); c.1799C>T, p.Ala600Val (NM_001379632.1, NM_001379633.1, NM_001379636.1 and 11 more transcripts); c.1874C>T, p.Ala625Val (NM_001379637.1, NM_001379648.1); short protein forms A625V, A600V, A609V, A634V.
Identifiers: ClinVar variation 1780850 (VCV001780850.7), dbSNP rs751922417, ClinGen allele CA2208266.